The following is an entry in ClinVar:

NM_006767.4(LZTR1):c.509+2T>C

Gene: LZTR1 (leucine zipper like post translational regulator 1; plus strand). Cytogenetic location: 22q11.21.
Variant type: single nucleotide variant.
Coding change: c.509+2T>C on transcript NM_006767.4 (MANE Select); the canonical splice donor site of the intron after coding-DNA position 509, T replaced by C.
Molecular consequence: splice donor variant.
Genome position (GRCh38, 1-based): chr22:20,988,120, T>C. VCF-style: chr22-20988120-T-C. GRCh37 (hg19) VCF-style: chr22-21342409-T-C.
Identifiers: ClinVar variation 4690893 (VCV004690893.1).

ClinVar aggregate classification (germline): Likely pathogenic (1 of 4 stars; one submission).

Submission:

Labcorp Genetics (formerly Invitae), Labcorp
Classification: Likely pathogenic. Last evaluated: 2025-02-27. Review status: criteria provided, single submitter. Criteria: Invitae Variant Classification Sherloc (09022015). Collection method: clinical testing. Allele origin: germline.
Comment: This sequence change affects a donor splice site in intron 5 of the LZTR1 gene. It is expected to disrupt RNA splicing. Variants that disrupt the donor or acceptor splice site typically lead to a loss of protein function (PMID: 16199547), and loss-of-function variants in LZTR1 are known to be pathogenic (PMID: 24362817, 25335493, 25480913, 25795793, 29469822, 30368668, 30442762, 30442766, 30481304, 30859559). This variant is not present in population databases (gnomAD no frequency). This variant has not been reported in the literature in individuals affected with LZTR1-related conditions. Algorithms developed to predict the effect of sequence changes on RNA splicing suggest that this variant may disrupt the consensus splice site. In summary, the currently available evidence indicates that the variant is pathogenic, but additional data are needed to prove that conclusively. Therefore, this variant has been classified as Likely Pathogenic.

Literature cited by the submitters: PubMed 16199547; PubMed 24362817; PubMed 25335493; PubMed 25480913; PubMed 25795793; PubMed 29469822; PubMed 30368668; PubMed 30442762; PubMed 30442766; PubMed 30481304; PubMed 30859559.